The following is an entry in ClinVar:

ClinVar aggregate classification (germline): Uncertain significance. Review status: criteria provided, multiple submitters, no conflicts (2 of 4 stars). 4 submissions from 4 submitters: Uncertain significance (3). 1 of the submissions does not count toward it. Last evaluated 2024-02-19.

Conditions:
Inborn genetic diseases. Identifiers: MedGen C0950123, MeSH D030342.
Donnai-Barrow syndrome. Also called: DBS/FOAR SYNDROME; FACIOOCULOACOUSTICORENAL SYNDROME. Identifiers: Orphanet 2143, MedGen C1857277, MONDO:0009104, OMIM 222448.
LRP2-related disorder. Also called: LRP2-related condition.

Allele frequency attached by ClinVar (database versions not stated): gnomAD exomes 0.00001; ExAC 0.00003; gnomAD 0.00003; TOPMed 0.00003.
gnomAD v4.1: 26 of 1,613,954 alleles (0.0016%); highest among the groups gnomAD compares: South Asian, 0.02%; no homozygotes.

Submissions (4):

Fulgent Genetics
Classification: Uncertain significance for Donnai-Barrow syndrome. Last evaluated: 2024-02-19. Review status: criteria provided, single submitter. Criteria: ACMG Guidelines, 2015. Collection method: clinical testing. Allele origin: germline.

Labcorp Genetics (formerly Invitae), Labcorp
Classification: Uncertain significance. Last evaluated: 2022-02-08. Review status: criteria provided, single submitter. Criteria: Invitae Variant Classification Sherloc (09022015). Collection method: clinical testing. Allele origin: germline.
Comment: This sequence change replaces methionine, which is neutral and non-polar, with threonine, which is neutral and polar, at codon 493 of the LRP2 protein (p.Met493Thr). This variant is present in population databases (rs766383948, gnomAD 0.02%). This variant has not been reported in the literature in individuals affected with LRP2-related conditions. Advanced modeling of protein sequence and biophysical properties (such as structural, functional, and spatial information, amino acid conservation, physicochemical variation, residue mobility, and thermodynamic stability) performed at Invitae indicates that this missense variant is not expected to disrupt LRP2 protein function. In summary, the available evidence is currently insufficient to determine the role of this variant in disease. Therefore, it has been classified as a Variant of Uncertain Significance.

Ambry Genetics
Classification: Uncertain significance for Inborn genetic diseases. Last evaluated: 2020-11-04. Review status: criteria provided, single submitter. Criteria: Ambry Variant Classification Scheme 2023. Collection method: clinical testing. Allele origin: germline.
Comment: The c.1478T>C (p.M493T) alteration is located in coding exon 12 of the LRP2 gene. This alteration results from a T to C substitution at nucleotide position 1478, causing the methionine (M) at amino acid position 493 to be replaced by a threonine (T). Based on data from the Genome Aggregation Database (gnomAD) database, the LRP2 c.1478T>C alteration was observed in 0.0024% (6/251014) of total alleles studied, with a frequency of 0.016% (5/30606) in the South Asian subpopulation. This amino acid position is poorly conserved in available vertebrate species. The p.M493T alteration is predicted to be tolerated by in silico analysis. Based on insufficient or conflicting evidence, the clinical significance of this alteration remains unclear.

PreventionGenetics, part of Exact Sciences
Classification: Uncertain significance for LRP2-related condition. Last evaluated: 2023-12-22. Review status: no assertion criteria provided. Collection method: clinical testing. Allele origin: germline. Not counted in ClinVar's aggregate classification.
Comment: The LRP2 c.1478T>C variant is predicted to result in the amino acid substitution p.Met493Thr. To our knowledge, this variant has not been reported in the literature. This variant is reported in 0.016% of alleles in individuals of South Asian descent in gnomAD. At this time, the clinical significance of this variant is uncertain due to the absence of conclusive functional and genetic evidence.

NM_004525.3(LRP2):c.1478T>C (p.Met493Thr)

Gene: LRP2 (LDL receptor related protein 2; minus strand). Cytogenetic location: 2q31.1.
Variant type: single nucleotide variant.
Coding change: c.1478T>C on transcript NM_004525.3 (MANE Select); coding-DNA position 1478, T replaced by C.
Protein change: p.Met493Thr; replaces methionine 493 with threonine.
Molecular consequence: missense variant.
Genome position (GRCh38, 1-based): chr2:169,279,459, A>G on the plus strand (T>C on the coding strand, the complement: LRP2 is on the minus strand). VCF-style: chr2-169279459-A-G. GRCh37 (hg19) VCF-style: chr2-170135969-A-G.
Other names: c.1478T>C (NM_004525.2); short protein forms M493T.
Identifiers: ClinVar variation 2168217 (VCV002168217.5), dbSNP rs766383948, ClinGen allele CA1955553.